The following is an entry in ClinVar:

ClinVar aggregate classification (germline): Uncertain significance. Review status: criteria provided, multiple submitters, no conflicts (2 of 4 stars). 2 submissions from 2 submitters: Uncertain significance (2). Last evaluated 2022-10-03.

Conditions:
Renal carnitine transport defect (CDSP). Also called: Carnitine transporter deficiency; Carnitine Deficiency, Systemic; Systemic primary carnitine deficiency disease; CARNITINE DEFICIENCY, SYSTEMIC, DUE TO DEFECT IN RENAL REABSORPTION OF CARNITINE; CARNITINE TRANSPORTER, PLASMA-MEMBRANE, DEFICIENCY OF; CARNITINE UPTAKE DEFECT. Identifiers: Orphanet 158, MedGen C0342788, MONDO:0008919, OMIM 212140.

Allele frequency attached by ClinVar (database versions not stated): gnomAD exomes below 0.00001; gnomAD 0.00001.
gnomAD v4.1: 2 of 1,613,996 alleles (0.00012%); highest among the groups gnomAD compares: African/African-American, 0.0027%; no homozygotes.

Submissions (2):

Giacomini Lab, University of California, San Francisco
Classification: Uncertain significance for Renal carnitine transport defect. Last evaluated: 2022-10-03. Review status: criteria provided, single submitter. Criteria: ACMG Guidelines, 2015. Collection method: research, in vitro. Allele origin: germline, not applicable.

Labcorp Genetics (formerly Invitae), Labcorp
Classification: Uncertain significance for Renal carnitine transport defect. Last evaluated: 2021-04-04. Review status: criteria provided, single submitter. Criteria: Invitae Variant Classification Sherloc (09022015). Collection method: clinical testing. Allele origin: germline.
Comment: This sequence change replaces tryptophan with cysteine at codon 275 of the SLC22A5 protein (p.Trp275Cys). The tryptophan residue is highly conserved and there is a large physicochemical difference between tryptophan and cysteine. This variant is not present in population databases (ExAC no frequency). This variant has not been reported in the literature in individuals with SLC22A5-related conditions. Algorithms developed to predict the effect of missense changes on protein structure and function (SIFT, PolyPhen-2, Align-GVGD) all suggest that this variant is likely to be disruptive, but these predictions have not been confirmed by published functional studies and their clinical significance is uncertain. Algorithms developed to predict the effect of sequence changes on RNA splicing suggest that this variant may disrupt the consensus splice site, but this prediction has not been confirmed by published transcriptional studies. In summary, the available evidence is currently insufficient to determine the role of this variant in disease. Therefore, it has been classified as a Variant of Uncertain Significance.

NM_003060.4(SLC22A5):c.825G>T (p.Trp275Cys)

Gene: SLC22A5 (solute carrier family 22 member 5; plus strand). Cytogenetic location: 5q31.1.
Variant type: single nucleotide variant.
Coding change: c.825G>T on transcript NM_003060.4 (MANE Select); coding-DNA position 825, G replaced by T.
Protein change: p.Trp275Cys; replaces tryptophan 275 with cysteine.
Molecular consequence: missense variant.
Genome position (GRCh38, 1-based): chr5:132,387,025, G>T. VCF-style: chr5-132387025-G-T. GRCh37 (hg19) VCF-style: chr5-131722717-G-T.
Other names: p.Trp275Cys; c.897G>T, p.Trp299Cys (NM_001308122.2); short protein forms W275C, W299C.
Identifiers: ClinVar variation 1384136 (VCV001384136.10), dbSNP rs386134207, ClinGen allele CA360805498.